The following is an entry in ClinVar:

ClinVar aggregate classification (germline): Uncertain significance (1 of 4 stars; one submission).

Submission:

Ambry Genetics
Classification: Uncertain significance. Last evaluated: 2026-01-18. Review status: criteria provided, single submitter. Criteria: Ambry Variant Classification Scheme 2023. Collection method: clinical testing. Allele origin: germline.
Comment: The p.A81V variant (also known as c.242C>T), located in coding exon 1 of the EGLN1 gene, results from a C to T substitution at nucleotide position 242. The alanine at codon 81 is replaced by valine, an amino acid with similar properties. This amino acid position is conserved. In addition, this alteration is predicted to be tolerated by in silico analysis. Based on the available evidence, the clinical significance of this variant remains unclear.

NM_022051.3(EGLN1):c.242C>T (p.Ala81Val)

Gene: EGLN1 (egl-9 family hypoxia inducible factor 1; minus strand). Cytogenetic location: 1q42.2.
Variant type: single nucleotide variant.
Coding change: c.242C>T on transcript NM_022051.3 (MANE Select); coding-DNA position 242, C replaced by T.
Protein change: p.Ala81Val; replaces alanine 81 with valine.
Molecular consequence: missense variant.
Genome position (GRCh38, 1-based): chr1:231,421,647, G>A on the plus strand (C>T on the coding strand, the complement: EGLN1 is on the minus strand). VCF-style: chr1-231421647-G-A. GRCh37 (hg19) VCF-style: chr1-231557393-G-A.
Other names: c.242C>T, p.Ala81Val (NM_001377260.1, NM_001377261.1); short protein forms A81V.
Identifiers: ClinVar variation 4824048 (VCV004824048.1).
Genomic context (GRCh38, chr1:231,421,647, plus strand): 5'-TCCCGGCGCGCCGCTGCCTTCCTGGGCTCCCGGGCCCCGGCCCTGGGCGGCGGCACTGCA[G>A]CCGGCGGCGCGGGGCCGGAATGCTGGTGTGGGCCCACTCCGTGGCCGAGGGCGCCCTCGC-3'
Protein context (NP_071334.1, residues 71-91): PHQHSGPAPP[Ala81Val]AVPPPRAGAR